The following is an entry in ClinVar:

ClinVar aggregate classification (germline): Uncertain significance (1 of 4 stars; one submission).

Conditions:
Tuberous sclerosis 2 (TSC2). Identifiers: Orphanet 805, MedGen C1860707, MONDO:0013199, OMIM 613254.

Submission:

Labcorp Genetics (formerly Invitae), Labcorp
Classification: Uncertain significance for Tuberous sclerosis 2. Last evaluated: 2017-12-05. Review status: criteria provided, single submitter. Criteria: Invitae Variant Classification Sherloc (09022015). Collection method: clinical testing. Allele origin: germline.
Comment: Algorithms developed to predict the effect of missense changes on protein structure and function do not agree on the potential impact of this missense change (SIFT: "Deleterious"; PolyPhen-2: "Possibly Damaging"; Align-GVGD: "Class C0"). In summary, the available evidence is currently insufficient to determine the role of this variant in disease. Therefore, it has been classified as a Variant of Uncertain Significance. This sequence change replaces lysine with asparagine at codon 704 of the TSC2 protein (p.Lys704Asn). The lysine residue is highly conserved and there is a moderate physicochemical difference between lysine and asparagine. This variant is not present in population databases (ExAC no frequency). This variant has not been reported in the literature in individuals with TSC2-related disease.

NM_000548.5(TSC2):c.2112G>C (p.Lys704Asn)

Gene: TSC2 (TSC complex subunit 2; plus strand). Cytogenetic location: 16p13.3.
Variant type: single nucleotide variant.
Coding change: c.2112G>C on transcript NM_000548.5 (MANE Select); coding-DNA position 2112, G replaced by C.
Protein change: p.Lys704Asn; replaces lysine 704 with asparagine.
Molecular consequence: missense variant.
Genome position (GRCh38, 1-based): chr16:2,072,255, G>C. VCF-style: chr16-2072255-G-C. GRCh37 (hg19) VCF-style: chr16-2122256-G-C.
Other names: c.2112G>C, p.Lys704Asn (NM_001077183.3, NM_001114382.3, NM_001363528.2 and 3 more transcripts); c.2001G>C, p.Lys667Asn (NM_001318827.2); c.1965G>C, p.Lys655Asn (NM_001318829.2); c.1512G>C, p.Lys504Asn (NM_001318831.2); c.2145G>C, p.Lys715Asn (NM_001318832.2); short protein forms K704N, K715N, K504N, K667N, K655N.
Identifiers: ClinVar variation 536001 (VCV000536001.8), dbSNP rs1555506423, ClinGen allele CA394274777.